The following is an entry in ClinVar:

NM_006766.5(KAT6A):c.658C>T (p.Arg220Ter)

Gene: KAT6A (lysine acetyltransferase 6A; minus strand). Cytogenetic location: 8p11.21.
Variant type: single nucleotide variant.
Coding change: c.658C>T on transcript NM_006766.5 (MANE Select); coding-DNA position 658, C replaced by T.
Protein change: p.Arg220Ter; replaces arginine 220 with a stop codon.
Molecular consequence: nonsense.
Genome position (GRCh38, 1-based): chr8:41,987,506, G>A on the plus strand (C>T on the coding strand, the complement: KAT6A is on the minus strand). VCF-style: chr8-41987506-G-A. GRCh37 (hg19) VCF-style: chr8-41845024-G-A.
Other names: NM_001099412.1:c.658C>T; c.658C>T, p.Arg220Ter (NM_001305878.2); short protein forms R220*.
Identifiers: ClinVar variation 620356 (VCV000620356.11), dbSNP rs1395351821, ClinGen allele CA371174186.

ClinVar aggregate classification (germline): Pathogenic/Likely pathogenic. Review status: criteria provided, multiple submitters, no conflicts (2 of 4 stars). 8 submissions from 8 submitters: Pathogenic (7); Likely pathogenic (1). Last evaluated 2025-01-01.

Conditions:
KAT6A-related disorder. Also called: KAT6A-related condition.
Autosomal dominant intellectual disability-craniofacial anomalies-cardiac defects syndrome (ARTHS). Also called: Mental retardation, autosomal dominant 32; KAT6A syndrome; Arboleda-Tham syndrome. Identifiers: Orphanet 457193, MedGen C4225396, MONDO:0014558, OMIM 616268.
Multiple congenital anomalies/dysmorphic syndrome-intellectual disability. Identifiers: Orphanet 102283, MedGen C5680372, MONDO:0015159.
Inborn genetic diseases. Identifiers: MedGen C0950123, MeSH D030342.

Submissions (8):

Center of Human Genetics, Hôpital Erasme
Classification: Pathogenic for Autosomal dominant intellectual disability-craniofacial anomalies-cardiac defects syndrome. Last evaluated: 2025-01-01. Review status: criteria provided, single submitter. Criteria: ACMG Guidelines, 2015. Collection method: clinical testing. Allele origin: de novo. Affected: yes.

GeneDx
Classification: Pathogenic. Last evaluated: 2024-06-21. Review status: criteria provided, single submitter. Criteria: GeneDx Variant Classification Process June 2021. Collection method: clinical testing. Allele origin: germline. Affected: yes.
Comment: Identified in a patient with absent speech, and sleep, vision, gastrointestinal, and renal/urogenital issues in published literature (PMID: 35892268); Nonsense variant predicted to result in protein truncation or nonsense mediated decay in a gene for which loss of function is a known mechanism of disease; Not observed at significant frequency in large population cohorts (gnomAD); This variant is associated with the following publications: (PMID: 35892268)

Blueprint Genetics
Classification: Pathogenic for KAT6A-related disorders. Last evaluated: 2023-09-18. Review status: criteria provided, single submitter. Criteria: ACMG Guidelines, 2015. Collection method: clinical testing. Allele origin: germline. Affected: yes. Observed: 1 variant allele.

Genetics and Molecular Pathology, SA Pathology
Classification: Pathogenic for Autosomal dominant intellectual disability-craniofacial anomalies-cardiac defects syndrome. Last evaluated: 2023-04-21. Review status: criteria provided, single submitter. Criteria: ACMG Guidelines, 2015. Collection method: clinical testing. Allele origin: germline. Inheritance: Autosomal dominant inheritance. Affected: yes.
Comment: The KAT6A c.658C>T variant is classified as a PATHOGENIC variant (PVS1, PS2, PM2) The variant is a single nucleotide change which is predicted to result in premature termination of the protein product at codon 220 at exon 3/17 of the KAT6A gene. This variant is predicted to cause loss of normal protein function (PVS1). The variant has been previously reported in at least 2 individuals with syndromic neurodevelopmental disability (PMID: 35892268). The variant is not in dbSNP and is absent from population databases (PM2). The variant has been reported in ClinVar (Variation ID: 620356) and HGMD (Accession no.: CM2218508) as Pathogenic/ Likely pathogenic or disease causing. Clinical review is recommended.

AURAGEN, Plan France Médecine Génomique
Classification: Pathogenic for Multiple congenital anomalies/dysmorphic syndrome-intellectual disability. Last evaluated: 2022-06-01. Review status: criteria provided, single submitter. Criteria: PFMG2025 (Lancet Reg Health Eur. 2025). Collection method: clinical testing. Allele origin: germline. Affected: yes.

MGZ Medical Genetics Center
Classification: Likely pathogenic for Autosomal dominant intellectual disability-craniofacial anomalies-cardiac defects syndrome. Last evaluated: 2022-01-26. Review status: criteria provided, single submitter. Criteria: ACMG Guidelines, 2015. Collection method: clinical testing. Allele origin: germline. Affected: yes. Observed: 1 variant allele.
Comment: ACMG criteria applied: PVS1, PM2_SUP

Ambry Genetics
Classification: Pathogenic for Inborn genetic diseases. Last evaluated: 2020-10-30. Review status: criteria provided, single submitter. Criteria: Ambry Variant Classification Scheme 2023. Collection method: clinical testing. Allele origin: germline.
Comment: The c.658C>T (p.R220*) alteration, located in exon 3 (coding exon 2) of the KAT6A gene, consists of a C to T substitution at nucleotide position 658. This changes the amino acid from an arginine (R) to a stop codon at amino acid position 220. This alteration is expected to result in loss of function by premature protein truncation or nonsense-mediated mRNA decay. Based on the available evidence, this alteration is classified as pathogenic.

Juno Genomics, Hangzhou Juno Genomics, Inc
Classification: Pathogenic for Autosomal dominant intellectual disability-craniofacial anomalies-cardiac defects syndrome. Review status: criteria provided, single submitter. Criteria: ACMG Guidelines, 2015. Collection method: clinical testing. Allele origin: germline. Affected: yes.
Comment: Absent from controls (or at extremely low frequency if recessive) in Genome Aggregation Database, Exome Sequencing Project, 1000 Genomes Project, or Exome Aggregation Consortium.;Null variant in a gene where loss of function (LOF) is a known mechanism of disease.;The prevalence of the variant in affected individuals is significantly increased compared to the prevalence in controls.

Literature cited by the submitters: PubMed 35892268 (cited by Genetics and Molecular Pathology, SA Pathology).